The following is an entry in ClinVar:

ClinVar aggregate classification (germline): Uncertain significance (1 of 4 stars; one submission).

Conditions:
Hereditary cancer-predisposing syndrome. Also called: Neoplastic Syndromes, Hereditary; Tumor predisposition; Hereditary Cancer Syndrome; Hereditary neoplastic syndrome. Identifiers: Orphanet 140162, MedGen C0027672, MeSH D009386, MONDO:0015356.

Submission:

Color Diagnostics, LLC DBA Color Health
Classification: Uncertain significance for Hereditary cancer-predisposing syndrome. Last evaluated: 2020-11-24. Review status: criteria provided, single submitter. Criteria: ACMG Guidelines, 2015. Collection method: clinical testing. Allele origin: germline.
Comment: This variant causes a T to C nucleotide substitution at the +6 position of intron 9 of the BMPR1A gene. To our knowledge, functional studies have not been reported for this variant. This variant has not been reported in individuals affected with hereditary cancer in the literature. This variant has not been identified in the general population by the Genome Aggregation Database (gnomAD). The available evidence is insufficient to determine the role of this variant in disease conclusively. Therefore, this variant is classified as a Variant of Uncertain Significance.

NM_004329.3(BMPR1A):c.868+6T>C

Gene: BMPR1A (bone morphogenetic protein receptor type 1A; plus strand). Cytogenetic location: 10q23.2.
Variant type: single nucleotide variant.
Coding change: c.868+6T>C on transcript NM_004329.3 (MANE Select); 6 bases into the intron after coding-DNA position 868, T replaced by C.
Molecular consequence: intron variant.
Genome position (GRCh38, 1-based): chr10:86,917,332, T>C. VCF-style: chr10-86917332-T-C. GRCh37 (hg19) VCF-style: chr10-88677089-T-C.
Identifiers: ClinVar variation 918657 (VCV000918657.3), dbSNP rs1843589322, ClinGen allele CA913188295.